The following is an entry in ClinVar:

NM_000321.3(RB1):c.2021C>G (p.Pro674Arg)

Gene: RB1 (RB transcriptional corepressor 1; plus strand). Cytogenetic location: 13q14.2.
Variant type: single nucleotide variant.
Coding change: c.2021C>G on transcript NM_000321.3 (MANE Select); coding-DNA position 2021, C replaced by G.
Protein change: p.Pro674Arg; replaces proline 674 with arginine.
Molecular consequence: missense variant.
Genome position (GRCh38, 1-based): chr13:48,459,748, C>G. VCF-style: chr13-48459748-C-G. GRCh37 (hg19) VCF-style: chr13-49033884-C-G.
Other names: c.2021C>G, p.Pro674Arg (NM_001407165.1); short protein forms P674R.
Identifiers: ClinVar variation 2090570 (VCV002090570.4), dbSNP rs2138336118, ClinGen allele CA388166780.

ClinVar aggregate classification (germline): Uncertain significance (1 of 4 stars; one submission).

Conditions:
Retinoblastoma (RB1). Also called: RETINOBLASTOMA, SOMATIC. Identifiers: Orphanet 790, MedGen C0035335, MeSH D012175, MONDO:0008380, OMIM 180200, HP:0009919. Disease mechanism: loss of function. Inheritance: Both sporadic and heritable forms are tested..

Submission:

Labcorp Genetics (formerly Invitae), Labcorp
Classification: Uncertain significance for Retinoblastoma. Last evaluated: 2025-01-17. Review status: criteria provided, single submitter. Criteria: Invitae Variant Classification Sherloc (09022015). Collection method: clinical testing. Allele origin: germline.
Comment: This sequence change replaces proline, which is neutral and non-polar, with arginine, which is basic and polar, at codon 674 of the RB1 protein (p.Pro674Arg). This variant is not present in population databases (gnomAD no frequency). This variant has not been reported in the literature in individuals affected with RB1-related conditions. ClinVar contains an entry for this variant (Variation ID: 2090570). Invitae Evidence Modeling of protein sequence and biophysical properties (such as structural, functional, and spatial information, amino acid conservation, physicochemical variation, residue mobility, and thermodynamic stability) indicates that this missense variant is not expected to disrupt RB1 protein function with a negative predictive value of 80%. In summary, the available evidence is currently insufficient to determine the role of this variant in disease. Therefore, it has been classified as a Variant of Uncertain Significance.